The following is an entry in ClinVar:

NM_000038.6(APC):c.6948_6959del (p.Leu2317_Pro2320del)

Gene: APC (APC regulator of Wnt signaling pathway; plus strand). Cytogenetic location: 5q22.2.
Variant type: Deletion.
Coding change: c.6948_6959del on transcript NM_000038.6 (MANE Select); coding-DNA positions 6948 to 6959, 12 bases deleted (ATTAAGTAGACC).
Protein change: p.Leu2317_Pro2320del.
Molecular consequence: inframe deletion.
Genome position (GRCh38, 1-based): chr5:112,842,542-112,842,553, ATTAAGTAGACC deleted; deleting any 12 consecutive bases within chr5:112,842,539-112,842,553 gives the same sequence; the c. name uses the placement nearest the transcript's 3' end. VCF-style (leftmost placement, unchanged base first): chr5-112842538-AACCATTAAGTAG-A. GRCh37 (hg19) VCF-style: chr5-112178235-AACCATTAAGTAG-A.
Other names: c.6948_6959del, p.Leu2317_Pro2320del (NM_001127510.3, NM_001354895.2); c.6894_6905del, p.Leu2299_Pro2302del (NM_001127511.3); c.7002_7013del, p.Leu2335_Pro2338del (NM_001354896.2); c.6978_6989del, p.Leu2327_Pro2330del (NM_001354897.2); c.6873_6884del, p.Leu2292_Pro2295del (NM_001354898.2); c.6864_6875del, p.Leu2289_Pro2292del (NM_001354899.2); c.6825_6836del, p.Leu2276_Pro2279del (NM_001354900.2); c.6771_6782del, p.Leu2258_Pro2261del (NM_001354901.2); and 6 more.
Identifiers: ClinVar variation 629116 (VCV000629116.4), dbSNP rs1561611457, ClinGen allele CA913188187.
Genomic context (GRCh38, chr5:112,842,538, plus strand): 5'-CAAGTAAAGCACCTTCTAGATCAGGATCTAGAGATTCGACCCCTTCAAGACCTGCCCAGC[AACCATTAAGTAG>A]ACCTATACAGTCTCCTGGCCGAAACTCAATTTCCCCTGGTAGAAATGGAATAAGTCCTCC-3'

ClinVar aggregate classification (germline): Uncertain significance. Review status: criteria provided, multiple submitters, no conflicts (2 of 4 stars). 2 submissions from 2 submitters: Uncertain significance (2). Last evaluated 2024-02-29.

Conditions:
Hereditary cancer-predisposing syndrome. Also called: Neoplastic Syndromes, Hereditary; Tumor predisposition; Hereditary neoplastic syndrome; Hereditary Cancer Syndrome. Identifiers: Orphanet 140162, MedGen C0027672, MeSH D009386, MONDO:0015356.

Submissions (2):

Ambry Genetics
Classification: Uncertain significance for Hereditary cancer-predisposing syndrome. Last evaluated: 2024-02-29. Review status: criteria provided, single submitter. Criteria: Ambry Variant Classification Scheme 2023. Collection method: clinical testing. Allele origin: germline.
Comment: The c.6948_6959del12 variant (also known as p.L2317_P2320del) is located in coding exon 15 of the APC gene. This variant results from an in-frame deletion of 12 nucleotides (ATTAAGTAGACC) at nucleotide positions 6948 to 6959. This results in the in-frame deletion of a 4 amino acids (LSRP) at codons 2317 to 2320. This amino acid region is well conserved in available vertebrate species. In addition, the in silico prediction for this alteration is inconclusive (Choi Y et al. PLoS ONE. 2012; 7(10):e46688). Based on the available evidence, the clinical significance of this alteration remains unclear.

Color Diagnostics, LLC DBA Color Health
Classification: Uncertain significance for Hereditary cancer-predisposing syndrome. Last evaluated: 2019-03-16. Review status: criteria provided, single submitter. Criteria: ACMG Guidelines, 2015. Collection method: clinical testing. Allele origin: germline.